The following is an entry in ClinVar:

ClinVar aggregate classification (germline): Uncertain significance. Review status: criteria provided, multiple submitters, no conflicts (2 of 4 stars). 3 submissions from 3 submitters: Uncertain significance (3). Last evaluated 2024-10-16.

Conditions:
NPHP3-related disorder. Also called: NPHP3-related disorders; NPHP3-related condition. Identifiers: MedGen CN379163.
NPHP3-related Meckel-like syndrome. Also called: Meckel syndrome type 7; GOLDSTON SYNDROME. Identifiers: Orphanet 3032, MedGen C2673885, MONDO:0009966, OMIM 267010.
Renal-hepatic-pancreatic dysplasia 1 (RHPD1). Identifiers: MedGen C3715199, MONDO:0008833, OMIM 208540.
Nephronophthisis 3 (NPHP3). Also called: Adolescent nephronophthisis. Identifiers: Orphanet 655, MedGen C1858392, MONDO:0011456, OMIM 604387.

Allele frequency attached by ClinVar (database versions not stated): TOPMed below 0.00001; gnomAD 0.00001; ExAC 0.00002; gnomAD exomes 0.00002.
gnomAD v4.1: 26 of 1,613,922 alleles (0.0016%); highest among the groups gnomAD compares: Non-Finnish European, 0.0021%; no homozygotes.

Submissions (3):

PreventionGenetics, part of Exact Sciences
Classification: Uncertain significance for NPHP3-related condition. Last evaluated: 2024-10-16. Review status: criteria provided, single submitter. Criteria: ACMG Guidelines, 2015. Collection method: clinical testing. Allele origin: germline.
Comment: The NPHP3 c.590T>G variant is predicted to result in the amino acid substitution p.Leu197Arg. This variant was reported along with a second causative NPHP3 variant in an individual with nephronophthisis (Supplemental Data, Doreille et al. 2023. PubMed ID: 36938085). This variant is reported in 0.0035% of alleles in individuals of European (Non-Finnish) descent in gnomAD. At this time, the clinical significance of this variant is uncertain due to the absence of conclusive functional and genetic evidence.

Fulgent Genetics
Classification: Uncertain significance for Renal-hepatic-pancreatic dysplasia 1; NPHP3-related Meckel-like syndrome; Nephronophthisis 3. Last evaluated: 2024-01-30. Review status: criteria provided, single submitter. Criteria: ACMG Guidelines, 2015. Collection method: clinical testing. Allele origin: germline.

Eurofins Ntd Llc (ga)
Classification: Uncertain significance. Last evaluated: 2018-04-27. Review status: criteria provided, single submitter. Criteria: EGL ClinVar v180209 classification definitions. Collection method: clinical testing. Allele origin: germline. Observed: 1 variant allele, 1 heterozygote.

NM_153240.5(NPHP3):c.590T>G (p.Leu197Arg)

Genes: NPHP3-ACAD11 (NPHP3-ACAD11 readthrough (NMD candidate); minus strand), NPHP3 (nephrocystin 3; minus strand). Cytogenetic location: 3q22.1.
Variant type: single nucleotide variant.
Coding change: c.590T>G on transcript NM_153240.5 (MANE Select); coding-DNA position 590, T replaced by G.
Protein change: p.Leu197Arg; replaces leucine 197 with arginine.
Molecular consequence: missense variant. On other transcripts: non-coding transcript variant (1).
Genome position (GRCh38, 1-based): chr3:132,719,074, A>C on the plus strand (T>G on the coding strand, the complement: NPHP3 is on the minus strand). VCF-style: chr3-132719074-A-C. GRCh37 (hg19) VCF-style: chr3-132437918-A-C.
Other names: c.590T>G (NM_153240.4); short protein forms L197R.
Identifiers: ClinVar variation 597060 (VCV000597060.8), dbSNP rs757401076, ClinGen allele CA2622555.
Genomic context (GRCh38, chr3:132,719,074, plus strand): 5'-TCATCTGAATCAGACTCCCCAGGATCAAATACTTGGATACCCTGAGCCTGTAGCCTCTGA[A>C]GTTTGCTCTCCAACTCCCTCTTGGCCCTCAGTAAGTCCTGAATTTCATTTTCTTTGGTCT-3'
Protein context (NP_694972.3, residues 187-207): LRAKRELESK[Leu197Arg]QRLQAQGIQV